The following is an entry in ClinVar:

NM_015450.3(POT1):c.1081C>G (p.Arg361Gly)

Gene: POT1 (protection of telomeres 1; minus strand). Cytogenetic location: 7q31.33.
Variant type: single nucleotide variant.
Coding change: c.1081C>G on transcript NM_015450.3 (MANE Select); coding-DNA position 1081, C replaced by G.
Protein change: p.Arg361Gly; replaces arginine 361 with glycine.
Molecular consequence: missense variant. On other transcripts: non-coding transcript variant (3).
Genome position (GRCh38, 1-based): chr7:124,842,889, G>C on the plus strand (C>G on the coding strand, the complement: POT1 is on the minus strand). VCF-style: chr7-124842889-G-C. GRCh37 (hg19) VCF-style: chr7-124482943-G-C.
Other names: c.1081C>G (NM_015450.2); c.688C>G, p.Arg230Gly (NM_001042594.2); short protein forms R230G, R361G.
Identifiers: ClinVar variation 1059258 (VCV001059258.10), dbSNP rs372317646, ClinGen allele CA369068390.

ClinVar aggregate classification (germline): Uncertain significance. Review status: criteria provided, multiple submitters, no conflicts (2 of 4 stars). 2 submissions from 2 submitters: Uncertain significance (2). Last evaluated 2025-08-14.

Conditions:
Tumor predisposition syndrome 3 (TPDS3). Also called: Melanoma, cutaneous malignant, susceptibility to, 10; Glioma susceptibility 9; LONG TELOMERE SYNDROME, POT1-RELATED; POT1 Tumor Predisposition. Identifiers: Orphanet 618, MedGen C4014476, MONDO:0014368, OMIM 615848.
Hereditary cancer-predisposing syndrome. Also called: Neoplastic Syndromes, Hereditary; Hereditary Cancer Syndrome; Hereditary neoplastic syndrome; Tumor predisposition. Identifiers: Orphanet 140162, MedGen C0027672, MeSH D009386, MONDO:0015356.

Submissions (2):

Ambry Genetics
Classification: Uncertain significance for Hereditary cancer-predisposing syndrome. Last evaluated: 2025-08-14. Review status: criteria provided, single submitter. Criteria: Ambry Variant Classification Scheme 2023. Collection method: clinical testing. Allele origin: germline.
Comment: The p.R361G variant (also known as c.1081C>G), located in coding exon 9 of the POT1 gene, results from a C to G substitution at nucleotide position 1081. The arginine at codon 361 is replaced by glycine, an amino acid with dissimilar properties. This amino acid position is conserved. In addition, this alteration is predicted to be deleterious by in silico analysis. Based on the available evidence, the clinical significance of this variant remains unclear.

Labcorp Genetics (formerly Invitae), Labcorp
Classification: Uncertain significance for Tumor predisposition syndrome 3. Last evaluated: 2023-12-31. Review status: criteria provided, single submitter. Criteria: Invitae Variant Classification Sherloc (09022015). Collection method: clinical testing. Allele origin: germline.
Comment: This sequence change replaces arginine, which is basic and polar, with glycine, which is neutral and non-polar, at codon 361 of the POT1 protein (p.Arg361Gly). This variant is not present in population databases (gnomAD no frequency). This variant has not been reported in the literature in individuals affected with POT1-related conditions. ClinVar contains an entry for this variant (Variation ID: 1059258). Advanced modeling of protein sequence and biophysical properties (such as structural, functional, and spatial information, amino acid conservation, physicochemical variation, residue mobility, and thermodynamic stability) performed at Invitae indicates that this missense variant is not expected to disrupt POT1 protein function with a negative predictive value of 80%. In summary, the available evidence is currently insufficient to determine the role of this variant in disease. Therefore, it has been classified as a Variant of Uncertain Significance.